The following is an entry in ClinVar:

ClinVar aggregate classification (germline): Likely benign. Review status: criteria provided, multiple submitters, no conflicts (2 of 4 stars). 2 submissions from 2 submitters: Likely benign (2). Last evaluated 2023-12-01.

Allele frequency attached by ClinVar (database versions not stated): ExAC 0.00002; gnomAD exomes 0.00002.
gnomAD v4.1: 7 of 1,612,648 alleles (0.00043%); highest among the groups gnomAD compares: Admixed American, 0.012%; no homozygotes.

Submissions (2):

Labcorp Genetics (formerly Invitae), Labcorp
Classification: Likely benign. Last evaluated: 2023-12-01. Review status: criteria provided, single submitter. Criteria: Invitae Variant Classification Sherloc (09022015). Collection method: clinical testing. Allele origin: germline.

Laboratory for Molecular Medicine, Mass General Brigham Personalized Medicine
Classification: Likely benign. Last evaluated: 2016-11-15. Review status: criteria provided, single submitter. Criteria: LMM Criteria. Collection method: clinical testing. Allele origin: germline. Observed: 1 variant allele.
Comment: p.Gly225Gly in exon 2 of MYO15A: This variant is not expected to have clinical s ignificance because it does not alter an amino acid residue and is not located w ithin the splice consensus sequence. It has been identified in 2/11422 of Latino chromosomes by the Exome Aggregation Consortium (ExAC; dbSNP rs763522649).

NM_016239.4(MYO15A):c.675G>C (p.Gly225=)

Gene: MYO15A (myosin XVA; plus strand). Cytogenetic location: 17p11.2.
Variant type: single nucleotide variant.
Coding change: c.675G>C on transcript NM_016239.4 (MANE Select); coding-DNA position 675, G replaced by C.
Protein change: p.Gly225=; no amino-acid change (glycine 225 retained).
Molecular consequence: synonymous variant.
Genome position (GRCh38, 1-based): chr17:18,119,475, G>C. VCF-style: chr17-18119475-G-C. GRCh37 (hg19) VCF-style: chr17-18022789-G-C.
Identifiers: ClinVar variation 505401 (VCV000505401.7), dbSNP rs763522649, ClinGen allele CA8422910.